The following is an entry in ClinVar:

ClinVar aggregate classification (germline): Uncertain significance (1 of 4 stars; one submission).

Submission:

Ambry Genetics
Classification: Uncertain significance. Last evaluated: 2025-07-12. Review status: criteria provided, single submitter. Criteria: Ambry Variant Classification Scheme 2023. Collection method: clinical testing. Allele origin: germline.
Comment: The p.V655A variant (also known as c.1964T>C), located in coding exon 13 of the MYOM1 gene, results from a T to C substitution at nucleotide position 1964. The valine at codon 655 is replaced by alanine, an amino acid with similar properties. This amino acid position is conserved. In addition, this alteration is predicted to be deleterious by in silico analysis. Since supporting evidence is limited at this time, the clinical significance of this alteration remains unclear.

NM_003803.4(MYOM1):c.1964T>C (p.Val655Ala)

Gene: MYOM1 (myomesin 1; minus strand). Cytogenetic location: 18p11.31.
Variant type: single nucleotide variant.
Coding change: c.1964T>C on transcript NM_003803.4 (MANE Select); coding-DNA position 1964, T replaced by C.
Protein change: p.Val655Ala; replaces valine 655 with alanine.
Molecular consequence: missense variant.
Genome position (GRCh38, 1-based): chr18:3,142,000, A>G on the plus strand (T>C on the coding strand, the complement: MYOM1 is on the minus strand). VCF-style: chr18-3142000-A-G. GRCh37 (hg19) VCF-style: chr18-3141998-A-G.
Other names: c.1964T>C, p.Val655Ala (NM_019856.2); short protein forms V655A.
Identifiers: ClinVar variation 1783499 (VCV001783499.3), dbSNP rs2510650865, ClinGen allele CA401713709.